The following is an entry in ClinVar:

NM_152618.3(BBS12):c.1958C>G (p.Ser653Ter)

Gene: BBS12 (Bardet-Biedl syndrome 12; plus strand). Cytogenetic location: 4q27.
Variant type: single nucleotide variant.
Coding change: c.1958C>G on transcript NM_152618.3 (MANE Select); coding-DNA position 1958, C replaced by G.
Protein change: p.Ser653Ter; replaces serine 653 with a stop codon.
Molecular consequence: nonsense.
Genome position (GRCh38, 1-based): chr4:122,743,850, C>G. VCF-style: chr4-122743850-C-G. GRCh37 (hg19) VCF-style: chr4-123665005-C-G.
Other names: c.1958C>G, p.Ser653Ter (NM_001178007.2); short protein forms S653*.
Identifiers: ClinVar variation 5004809 (VCV005004809.1).

ClinVar aggregate classification (germline): Pathogenic (1 of 4 stars; one submission).

Conditions:
Bardet-Biedl syndrome 12 (BBS12). Identifiers: Orphanet 110, MedGen C1859570, MONDO:0014440, OMIM 615989.

Submission:

Myriad Genetics, Inc.
Classification: Pathogenic for Bardet-Biedl syndrome 12. Last evaluated: 2026-07-23. Review status: criteria provided, single submitter. Criteria: Myriad Autosomal Dominant, Autosomal Recessive and X-Linked Classification Criteria (2023). Collection method: clinical testing. Allele origin: unknown.
Comment: NM_152618.2(BBS12):c.1958C>G(S653*) is a nonsense variant classified as pathogenic in the context of Bardet-Biedl syndrome, BBS12-related. S653* has not been observed in cases with relevant disease. Relevant functional assessments of this variant are not available in the literature. S653* has not been observed in referenced population frequency databases. In summary, NM_152618.2(BBS12):c.1958C>G(S653*) is a nonsense variant in a gene where loss of function is a known mechanism of disease and is predicted to disrupt protein function. Please note: this variant was assessed in the context of healthy population screening.